The following is an entry in ClinVar:

ClinVar aggregate classification (germline): Likely pathogenic (1 of 4 stars; one submission).

Conditions:
Congenital lactic acidosis, Saguenay-Lac-Saint-Jean type (MC4DN5). Also called: CYTOCHROME c OXIDASE DEFICIENCY, FRENCH CANADIAN TYPE; COX DEFICIENCY, FRENCH CANADIAN TYPE; MITOCHONDRIAL COMPLEX IV DEFICIENCY, NUCLEAR TYPE 5. Identifiers: Orphanet 70472, MedGen C1857355, MONDO:0009069, OMIM 220111.

Submission:

Natera, Inc.
Classification: Likely pathogenic for French-Canadian type Leigh syndrome. Last evaluated: 2025-05-22. Review status: criteria provided, single submitter. Criteria: Natera Variant Classification Schema (03/2026). Collection method: clinical testing. Allele origin: germline.
Comment: The c.1A>G variant in LRPPRC is predicted to result in start loss due to disruption of the initiator methionine. This variant is expected to result in nonsense mediated decay, truncation, or a dysfunctional protein product. This variant is rare in the general population with a frequency below the threshold expected for the associated phenotype(s). Given the available evidence, this variant is classified as Likely Pathogenic.

NM_133259.4(LRPPRC):c.1A>G (p.Met1Val)

Gene: LRPPRC (leucine rich pentatricopeptide repeat containing; minus strand). Cytogenetic location: 2p21.
Variant type: single nucleotide variant.
Coding change: c.1A>G on transcript NM_133259.4 (MANE Select); coding-DNA position 1, A replaced by G.
Protein change: p.Met1Val; changes the start codon (methionine 1).
Molecular consequence: missense variant, initiator codon variant.
Genome position (GRCh38, 1-based): chr2:43,995,947, T>C on the plus strand (A>G on the coding strand, the complement: LRPPRC is on the minus strand). VCF-style: chr2-43995947-T-C. GRCh37 (hg19) VCF-style: chr2-44223086-T-C.
Other names: short protein forms M1V.
Identifiers: ClinVar variation 4816483 (VCV004816483.1).